The following is an entry in ClinVar:

NM_001297.5(CNGB1):c.1741A>G (p.Lys581Glu)

Gene: CNGB1 (cyclic nucleotide gated channel subunit beta 1; minus strand). Cytogenetic location: 16q21.
Variant type: single nucleotide variant.
Coding change: c.1741A>G on transcript NM_001297.5 (MANE Select); coding-DNA position 1741, A replaced by G.
Protein change: p.Lys581Glu; replaces lysine 581 with glutamic acid.
Molecular consequence: missense variant.
Genome position (GRCh38, 1-based): chr16:57,920,447, T>C on the plus strand (A>G on the coding strand, the complement: CNGB1 is on the minus strand). VCF-style: chr16-57920447-T-C. GRCh37 (hg19) VCF-style: chr16-57954351-T-C.
Other names: c.1723A>G, p.Lys575Glu (NM_001286130.2); short protein forms K581E, K575E.
Identifiers: ClinVar variation 930651 (VCV000930651.4), dbSNP rs1960999459, ClinGen allele CA396066487.

ClinVar aggregate classification (germline): Uncertain significance. Review status: criteria provided, multiple submitters, no conflicts (2 of 4 stars). 2 submissions from 2 submitters: Uncertain significance (2). Last evaluated 2026-08-27.

Conditions:
Retinitis pigmentosa 45 (RP45). Identifiers: Orphanet 791, MedGen C3151066, MONDO:0013413, OMIM 613767.
Inborn genetic diseases. Identifiers: MedGen C0950123, MeSH D030342.

Allele frequency attached by ClinVar (database versions not stated): gnomAD exomes 0.00001.
gnomAD v4.1: 3 of 1,614,170 alleles (0.00019%); highest among the groups gnomAD compares: Non-Finnish European, 0.00025%; no homozygotes.

Submissions (2):

Ambry Genetics
Classification: Uncertain significance for Inborn genetic diseases. Last evaluated: 2026-08-27. Review status: criteria provided, single submitter. Criteria: Ambry Variant Classification Scheme 2023. Collection method: clinical testing. Allele origin: germline.

Centre for Mendelian Genomics, University Medical Centre Ljubljana
Classification: Uncertain significance for Retinitis pigmentosa 45. Last evaluated: 2019-04-01. Review status: criteria provided, single submitter. Criteria: ACMG Guidelines, 2015. Collection method: clinical testing. Allele origin: unknown. Affected: yes.
Comment: This variant was classified as: Uncertain significance. The available evidence on this variant's pathogenicity is insufficient or conflicting. The following ACMG criteria were applied in classifying this variant: PM2.